The following is an entry in ClinVar:

ClinVar aggregate classification (germline): Uncertain significance (1 of 4 stars; one submission).

Conditions:
Hereditary cancer-predisposing syndrome. Also called: Tumor predisposition; Neoplastic Syndromes, Hereditary; Hereditary Cancer Syndrome; Hereditary neoplastic syndrome. Identifiers: Orphanet 140162, MedGen C0027672, MeSH D009386, MONDO:0015356.

Allele frequency attached by ClinVar (database versions not stated): gnomAD exomes below 0.00001.
gnomAD v4.1: 1 of 1,606,256 alleles (0.000062%); highest among the groups gnomAD compares: East Asian, 0.0022%; no homozygotes.

Submission:

Ambry Genetics
Classification: Uncertain significance for Hereditary cancer-predisposing syndrome. Last evaluated: 2026-02-04. Review status: criteria provided, single submitter. Criteria: Ambry Variant Classification Scheme 2023. Collection method: clinical testing. Allele origin: germline.
Comment: The c.1795-3T>A intronic variant results from a T to A substitution 3 nucleotides upstream from coding exon 12 in the BRIP1 gene. This nucleotide position is not well conserved in available vertebrate species. In silico splice site analysis predicts that this alteration may weaken the native splice acceptor site. Based on the available evidence, the clinical significance of this variant remains unclear.

NM_032043.3(BRIP1):c.1795-3T>A

Gene: BRIP1 (BRCA1 interacting DNA helicase 1; minus strand). Cytogenetic location: 17q23.2.
Variant type: single nucleotide variant.
Coding change: c.1795-3T>A on transcript NM_032043.3 (MANE Select); 3 bases into the intron before coding-DNA position 1795, T replaced by A.
Molecular consequence: intron variant.
Genome position (GRCh38, 1-based): chr17:61,780,404, A>T on the plus strand (T>A on the coding strand, the complement: BRIP1 is on the minus strand). VCF-style: chr17-61780404-A-T. GRCh37 (hg19) VCF-style: chr17-59857765-A-T.
Identifiers: ClinVar variation 820060 (VCV000820060.5), dbSNP rs1603333441, ClinGen allele CA915950701.